The following is an entry in ClinVar:

NM_001377.3(DYNC2H1):c.7128del (p.Phe2377fs)

Gene: DYNC2H1 (dynein cytoplasmic 2 heavy chain 1; plus strand). Cytogenetic location: 11q22.3.
Variant type: Deletion.
Coding change: c.7128del on transcript NM_001377.3 (MANE Select); coding-DNA position 7128, one base deleted (A; older notation c.7128delA).
Protein change: p.Phe2377fs; shifts the reading frame from phenylalanine 2377.
Molecular consequence: frameshift variant.
Genome position (GRCh38, 1-based): chr11:103,187,574, A deleted. VCF-style (leftmost placement, unchanged base first): chr11-103187573-CA-C. GRCh37 (hg19) VCF-style: chr11-103058302-CA-C.
Other names: c.7128del, p.Phe2377fs (NM_001080463.2); short protein forms F2377fs.
Identifiers: ClinVar variation 5015210 (VCV005015210.1).

ClinVar aggregate classification (germline): Pathogenic (1 of 4 stars; one submission).

Conditions:
Asphyxiating thoracic dystrophy 3. Also called: SHORT-RIB THORACIC DYSPLASIA 3 WITH OR WITHOUT POLYDACTYLY; POLYDACTYLY WITH NEONATAL CHONDRODYSTROPHY, TYPE I; SHORT-RIB THORACIC DYSPLASIA 3/6 WITH POLYDACTYLY, DIGENIC; Short rib polydactyly syndrome 2B; Saldino-Noonan Syndrome. Identifiers: Orphanet 474, Orphanet 93269, Orphanet 93270, Orphanet 93271, MedGen C0036069, MONDO:0013127, OMIM 613091.

Submission:

Myriad Genetics, Inc.
Classification: Pathogenic for Asphyxiating thoracic dystrophy 3. Last evaluated: 2025-11-13. Review status: criteria provided, single submitter. Criteria: Myriad Autosomal Dominant, Autosomal Recessive and X-Linked Classification Criteria (2023). Collection method: clinical testing. Allele origin: unknown.
Comment: NM_001377.2(DYNC2H1):c.7128delA(F2377Sfs*6) is expected to be pathogenic in the context of DYNC2H1-related disorders. This variant is predicted to lead to an abnormal or absent protein product due to the creation of a premature termination codon in DYNC2H1, a gene where loss-of-function variants are known to be pathogenic. Please note: this variant was assessed in the context of healthy population screening.